The following is an entry in ClinVar:

NM_001374385.1(ATP8B1):c.461dup (p.Thr155fs)

Gene: ATP8B1 (ATPase phospholipid transporting 8B1; minus strand). Cytogenetic location: 18q21.31.
Variant type: Duplication.
Coding change: c.461dup on transcript NM_001374385.1 (MANE Select); coding-DNA position 461, one base duplicated (T; older notation c.461dupT).
Protein change: p.Thr155fs; shifts the reading frame from threonine 155.
Molecular consequence: frameshift variant.
Genome position (GRCh38, 1-based): chr18:57,701,246, A duplicated on the plus strand (T on the coding strand, the reverse complement: ATP8B1 is on the minus strand). VCF-style (leftmost placement, unchanged base first): chr18-57701245-G-GA. GRCh37 (hg19) VCF-style: chr18-55368477-G-GA.
Other names: c.311dup, p.Thr105fs (NM_001374386.1); c.461dup, p.Thr155fs (NM_005603.6); short protein forms T105fs, T155fs.
Identifiers: ClinVar variation 4846292 (VCV004846292.1).
Genomic context (GRCh38, chr18:57,701,245, plus strand): 5'-TGAGTAGAACGTTGTATGAGAAATCCTCACCACATCGTCCACCAGGTCTTTGATTGCAGT[G>GA]ACGCCCAGCACCACAAGCAGGGGCACTAGTGTGGTGTACCAAGCCAGGGTAGAGATTTGA-3'

ClinVar aggregate classification (germline): Pathogenic (1 of 4 stars; one submission).

Conditions:
Familial intrahepatic cholestasis. Identifiers: Orphanet 284385, MedGen CN296401, MONDO:0017290.

Submission:

Genomenon, Inc
Classification: Pathogenic for Familial intrahepatic cholestasis. Last evaluated: 2026-04-14. Review status: criteria provided, single submitter. Criteria: Genomenon Sequence Variant Interpretation Standards - Updated. Collection method: curation. Allele origin: germline. Affected: yes.
Comment: ATP8B1 p.Thr155HisfsTer14 (c.461dup) is a frameshift variant that results in the production of a truncated protein which is predicted to undergo nonsense-mediated mRNA decay. This variant has been observed in at least one proband with features of ATP8B1-deficiency (PMID:33437900). It is absent or not present at a significant frequency in gnomAD. In conclusion, we classify ATP8B1 p.Thr155HisfsTer14 (c.461dup) as a pathogenic variant.

Literature cited by the submitters: PubMed 33437900.